The following is an entry in ClinVar:

NM_015355.4(SUZ12):c.348_349del (p.Tyr117fs)

Gene: SUZ12 (SUZ12 polycomb repressive complex 2 subunit; plus strand). Cytogenetic location: 17q11.2.
Variant type: Deletion.
Coding change: c.348_349del on transcript NM_015355.4 (MANE Select); coding-DNA positions 348 to 349, 2 bases deleted (TT; older notation c.348_349delTT).
Protein change: p.Tyr117fs; shifts the reading frame from tyrosine 117.
Molecular consequence: frameshift variant.
Genome position (GRCh38, 1-based): chr17:31,940,448-31,940,449, TT deleted. VCF-style (leftmost placement, unchanged base first): chr17-31940447-CTT-C. GRCh37 (hg19) VCF-style: chr17-30267466-CTT-C.
Other names: c.348_349del, p.Tyr117fs (NM_001321207.2); short protein forms Y117fs.
Identifiers: ClinVar variation 1075758 (VCV001075758.5), dbSNP rs2142117372, ClinGen allele CA2499224257.
Genomic context (GRCh38, chr17:31,940,447, plus strand): 5'-ATTCAATTTTAACATTTTTAAAACTCTTTTTGTAGCCAATATTTTTGCACAGAACTCTTA[CTT>C]ACATGTCTCATCGAAACTCCAGAACAAACATCAAAAGGTACATTTTATGAATCTTATTTC-3'

ClinVar aggregate classification (germline): Pathogenic (1 of 4 stars; one submission).

Submission:

Labcorp Genetics (formerly Invitae), Labcorp
Classification: Pathogenic. Last evaluated: 2020-07-21. Review status: criteria provided, single submitter. Criteria: Invitae Variant Classification Sherloc (09022015). Collection method: clinical testing. Allele origin: germline.
Comment: For these reasons, this variant has been classified as Pathogenic. Loss-of-function variants in SUZ12 are known to be pathogenic (PMID: 30019515, 31736240). This variant has not been reported in the literature in individuals with SUZ12-related conditions. This variant is not present in population databases (ExAC no frequency). This sequence change creates a premature translational stop signal (p.Tyr117Hisfs*16) in the SUZ12 gene. It is expected to result in an absent or disrupted protein product.

Literature cited by the submitters: PubMed 30019515; PubMed 31736240.